The following is an entry in ClinVar:

NM_021927.3(GUF1):c.55G>A (p.Ala19Thr)

Genes: GUF1 (GTP binding elongation factor GUF1; plus strand), LOC129992541 (ATAC-STARR-seq lymphoblastoid silent region 15397; plus strand). Cytogenetic location: 4p12.
Variant type: single nucleotide variant.
Coding change: c.55G>A on transcript NM_021927.3 (MANE Select); coding-DNA position 55, G replaced by A.
Protein change: p.Ala19Thr; replaces alanine 19 with threonine.
Molecular consequence: missense variant. On other transcripts: 5 prime UTR variant (2).
Genome position (GRCh38, 1-based): chr4:44,678,677, G>A. VCF-style: chr4-44678677-G-A. GRCh37 (hg19) VCF-style: chr4-44680694-G-A.
Other names: c.-914G>A (NM_001345867.2); c.55G>A, p.Ala19Thr (NM_001345868.2); c.-806G>A (NM_001345869.2); short protein forms A19T.
Identifiers: ClinVar variation 1421875 (VCV001421875.8), dbSNP rs894257532, ClinGen allele CA96514243.

ClinVar aggregate classification (germline): Uncertain significance (1 of 4 stars; one submission).

Allele frequency attached by ClinVar (database versions not stated): TOPMed below 0.00001.

Submission:

Labcorp Genetics (formerly Invitae), Labcorp
Classification: Uncertain significance. Last evaluated: 2023-06-14. Review status: criteria provided, single submitter. Criteria: Invitae Variant Classification Sherloc (09022015). Collection method: clinical testing. Allele origin: germline.
Comment: In summary, the available evidence is currently insufficient to determine the role of this variant in disease. Therefore, it has been classified as a Variant of Uncertain Significance. An algorithm developed to predict the effect of missense changes on protein structure and function (PolyPhen-2) suggests that this variant is likely to be tolerated. ClinVar contains an entry for this variant (Variation ID: 1421875). This variant has not been reported in the literature in individuals affected with GUF1-related conditions. This variant is not present in population databases (gnomAD no frequency). This sequence change replaces alanine, which is neutral and non-polar, with threonine, which is neutral and polar, at codon 19 of the GUF1 protein (p.Ala19Thr).